The following is an entry in ClinVar:

ClinVar aggregate classification (germline): Likely pathogenic (1 of 4 stars; one submission).

Submission:

GeneDx
Classification: Likely pathogenic. Last evaluated: 2017-11-17. Review status: criteria provided, single submitter. Criteria: GeneDx Variant Classification (06012015). Collection method: clinical testing. Allele origin: germline. Affected: yes.
Comment: The c.3077+1G>A variant in the CLTC gene has not been reported previously as a pathogenic variantnor as a benign variant, to our knowledge. This splice site variant destroys the canonical splice donorsite in intron 19. It is predicted to cause abnormal gene splicing, either leading to an abnormal messagethat is subject to nonsense-mediated mRNA decay, or to an abnormal protein product if the message isused for protein translation. The c.3077+1G>A variant is not observed in large population cohorts(Lek et al., 2016; 1000 Genomes Consortium et al., 2015; Exome Variant Server). We interpretc.3077+1G>A as a likely pathogenic variant.

NM_004859.4(CLTC):c.3065+1G>A

Gene: CLTC (clathrin heavy chain; plus strand). Cytogenetic location: 17q23.1.
Variant type: single nucleotide variant.
Coding change: c.3065+1G>A on transcript NM_004859.4 (MANE Select); the canonical splice donor site of the intron after coding-DNA position 3065, G replaced by A.
Molecular consequence: splice donor variant.
Genome position (GRCh38, 1-based): chr17:59,681,058, G>A. VCF-style: chr17-59681058-G-A. GRCh37 (hg19) VCF-style: chr17-57758419-G-A.
Other names: c.3077+1G>A (NM_001288653.2).
Identifiers: ClinVar variation 489038 (VCV000489038.2), dbSNP rs750846632, ClinGen allele CA400416917.